The following is an entry in ClinVar:

ClinVar aggregate classification (germline): Uncertain significance (1 of 4 stars; one submission).

Conditions:
Spermatogenic failure 38. Identifiers: MedGen C5193095, MONDO:0032748, OMIM 618433.

Submission:

3billion
Classification: Uncertain significance for Spermatogenic failure 38. Last evaluated: 2023-11-16. Review status: criteria provided, single submitter. Criteria: ACMG Guidelines, 2015. Collection method: clinical testing. Allele origin: germline. Affected: yes.
Comment: The variant is not observed in the gnomAD v2.1.1 dataset. Predicted Consequence/Location: Missense variant In silico tool predictions suggest no damaging effect of the variant on gene or gene product [REVEL: 0.05 (<0.4); 3Cnet: 0.01 (<0.15, specificity 0.78 and negative predicitive value 0.92)]. Therefore, this variant is classified as VUS according to the recommendation of ACMG/AMP guideline.

NM_032131.6(ARMC2):c.683A>G (p.Lys228Arg)

Gene: ARMC2 (armadillo repeat containing 2; plus strand). Cytogenetic location: 6q21.
Variant type: single nucleotide variant.
Coding change: c.683A>G on transcript NM_032131.6 (MANE Select); coding-DNA position 683, A replaced by G.
Protein change: p.Lys228Arg; replaces lysine 228 with arginine.
Molecular consequence: missense variant.
Genome position (GRCh38, 1-based): chr6:108,894,478, A>G. VCF-style: chr6-108894478-A-G. GRCh37 (hg19) VCF-style: chr6-109215681-A-G.
Other names: c.188A>G, p.Lys63Arg (NM_001286609.2); short protein forms K228R, K63R.
Identifiers: ClinVar variation 3776130 (VCV003776130.1).